The following is an entry in ClinVar:

NM_030973.4(MED25):c.629C>T (p.Pro210Leu)

Gene: MED25 (mediator complex subunit 25; plus strand). Cytogenetic location: 19q13.33.
Variant type: single nucleotide variant.
Coding change: c.629C>T on transcript NM_030973.4 (MANE Select); coding-DNA position 629, C replaced by T.
Protein change: p.Pro210Leu; replaces proline 210 with leucine.
Molecular consequence: missense variant.
Genome position (GRCh38, 1-based): chr19:49,829,889, C>T. VCF-style: chr19-49829889-C-T. GRCh37 (hg19) VCF-style: chr19-50333146-C-T.
Other names: c.629C>T, p.Pro210Leu (NM_001378355.1); short protein forms P210L.
Identifiers: ClinVar variation 947533 (VCV000947533.10), dbSNP rs370423922, ClinGen allele CA9584939.
Genomic context (GRCh38, chr19:49,829,889, plus strand): 5'-CGCTTCGGCTTCTGTTTGAGAAGGCAGCCCCCCCGGCCTTGCTGGAGCCGCTGCAGCCTC[C>T]GACAGATGTGAGCCAGGACCCGAGGCACATGGTGCTGGTTCGGGGACTCGTGCTGCCTGG-3'
Protein context (NP_112235.2, residues 200-220): PPALLEPLQP[Pro210Leu]TDVSQDPRHM

ClinVar aggregate classification (germline): Uncertain significance. Review status: criteria provided, multiple submitters, no conflicts (2 of 4 stars). 3 submissions from 3 submitters: Uncertain significance (3). Last evaluated 2025-12-15.

Conditions:
Charcot-Marie-Tooth disease type 2. Also called: Charcot-Marie-Tooth type 2. Identifiers: Orphanet 64746, MedGen C0270914, MONDO:0018993.
Inborn genetic diseases. Identifiers: MedGen C0950123, MeSH D030342.

Allele frequency attached by ClinVar (database versions not stated): ExAC 0.00007; gnomAD exomes 0.00008; gnomAD 0.00013 and 0.00014; ESP Exome Variant Server 0.00015; TOPMed 0.00016.

Submissions (3):

Labcorp Genetics (formerly Invitae), Labcorp
Classification: Uncertain significance for Charcot-Marie-Tooth disease type 2. Last evaluated: 2025-12-15. Review status: criteria provided, single submitter. Criteria: Invitae Variant Classification Sherloc (09022015). Collection method: clinical testing. Allele origin: germline.
Comment: This sequence change replaces proline, which is neutral and non-polar, with leucine, which is neutral and non-polar, at codon 210 of the MED25 protein (p.Pro210Leu). This variant is present in population databases (rs370423922, gnomAD 0.05%). This variant has not been reported in the literature in individuals affected with MED25-related conditions. ClinVar contains an entry for this variant (Variation ID: 947533). An algorithm developed to predict the effect of missense changes on protein structure and function outputs the following: PolyPhen-2: "Benign". The leucine amino acid residue is found in multiple mammalian species, which suggests that this missense change does not adversely affect protein function. In summary, the available evidence is currently insufficient to determine the role of this variant in disease. Therefore, it has been classified as a Variant of Uncertain Significance.

Ambry Genetics
Classification: Uncertain significance for Inborn genetic diseases. Last evaluated: 2024-12-12. Review status: criteria provided, single submitter. Criteria: Ambry Variant Classification Scheme 2023. Collection method: clinical testing. Allele origin: germline.

Blueprint Genetics
Classification: Uncertain significance. Last evaluated: 2024-06-06. Review status: criteria provided, single submitter. Criteria: ACMG Guidelines, 2015. Collection method: clinical testing. Allele origin: germline.